The following is an entry in ClinVar:

NM_001142800.2(EYS):c.6404_6415del (p.Thr2135_Cys2139delinsSer)

Gene: EYS (EGF-like photoreceptor maintenance factor; minus strand). Cytogenetic location: 6q12.
Variant type: Deletion.
Coding change: c.6404_6415del on transcript NM_001142800.2 (MANE Select); coding-DNA positions 6404 to 6415, 12 bases deleted (CTGGCCGCTTCT).
Protein change: p.Thr2135_Cys2139delinsSer.
Molecular consequence: inframe indel.
Genome position (GRCh38, 1-based): chr6:64,230,601-64,230,612, AGAAGCGGCCAG deleted on the plus strand (CTGGCCGCTTCT on the coding strand, the reverse complement: EYS is on the minus strand). VCF-style (leftmost placement, unchanged base first): chr6-64230600-CAGAAGCGGCCAG-C. GRCh37 (hg19) VCF-style: chr6-64940493-CAGAAGCGGCCAG-C.
Other names: c.6404_6415del, p.Thr2135_Cys2139delinsSer (NM_001292009.2).
Identifiers: ClinVar variation 2761739 (VCV002761739.3), dbSNP rs2533946250, ClinGen allele CA2679283466.

ClinVar aggregate classification (germline): Pathogenic (1 of 4 stars; one submission).

Allele frequency attached by ClinVar (database versions not stated): gnomAD exomes below 0.00001.

Submission:

Labcorp Genetics (formerly Invitae), Labcorp
Classification: Pathogenic. Last evaluated: 2023-09-19. Review status: criteria provided, single submitter. Criteria: Invitae Variant Classification Sherloc (09022015). Collection method: clinical testing. Allele origin: germline.
Comment: This variant disrupts a region of the EYS protein in which other variant(s) (p.Cys2139Tyr) have been determined to be pathogenic (PMID: 20333770, 25356976, 25753737). This suggests that this is a clinically significant region of the protein, and that variants that disrupt it are likely to be disease-causing. This variant has not been reported in the literature in individuals affected with EYS-related conditions. This variant is not present in population databases (gnomAD no frequency). This variant, c.6404_6415del, is a complex sequence change that results in the deletion of 5 and insertion of 1 amino acid(s) in the EYS protein (p.Thr2135_Cys2139delinsSer). For these reasons, this variant has been classified as Pathogenic.

Literature cited by the submitters: PubMed 20333770; PubMed 25356976; PubMed 25753737.